The following is an entry in ClinVar:

NM_001128225.3(SLC39A13):c.681C>T (p.Ile227=)

Gene: SLC39A13 (solute carrier family 39 member 13; plus strand). Cytogenetic location: 11p11.2.
Variant type: single nucleotide variant.
Coding change: c.681C>T on transcript NM_001128225.3 (MANE Select); coding-DNA position 681, C replaced by T.
Protein change: p.Ile227=; no amino-acid change (isoleucine 227 retained).
Molecular consequence: synonymous variant. On other transcripts: non-coding transcript variant (1).
Genome position (GRCh38, 1-based): chr11:47,413,632, C>T. VCF-style: chr11-47413632-C-T. GRCh37 (hg19) VCF-style: chr11-47435183-C-T.
Other names: c.681C>T, p.Ile227= (NM_001330245.2, NM_152264.5).
Identifiers: ClinVar variation 515287 (VCV000515287.11), dbSNP rs768663803, ClinGen allele CA5975880.
Genomic context (GRCh38, chr11:47,413,632, plus strand): 5'-GCCTCCTGCCTTCCCTCCTTCCCAGGTCAGCGGCTACCTCAACCTGCTGGCCAACACCAT[C>T]GATAACTTCACCCACGGGCTGGCTGTGGCTGCCAGCTTCCTTGTGAGCAAGAAGGTGAGG-3'
Protein context (NP_001121697.2, residues 217-237): SGYLNLLANT[Ile227=]DNFTHGLAVA

ClinVar aggregate classification (germline): Likely benign. Review status: criteria provided, multiple submitters, no conflicts (2 of 4 stars). 3 submissions from 3 submitters: Likely benign (3). Last evaluated 2026-05-21.

Conditions:
Ehlers-Danlos syndrome, spondylodysplastic type, 3. Also called: Ehlers-Danlos syndrome, spondylocheirodysplastic type. Identifiers: Orphanet 157965, MedGen C2676510, MONDO:0012873, OMIM 612350.

Allele frequency attached by ClinVar (database versions not stated): gnomAD below 0.00001 and 0.00002; gnomAD exomes 0.00008 and 0.00017; ExAC 0.00019; TOPMed 0.00002.
gnomAD v4.1: 122 of 1,614,234 alleles (0.0076%); highest among the groups gnomAD compares: South Asian, 0.12%; no homozygotes.

Submissions (3):

Women's Health and Genetics/Laboratory Corporation of America, LabCorp
Classification: Likely benign. Last evaluated: 2026-05-21. Review status: criteria provided, single submitter. Criteria: LabCorp Variant Classification Summary - May 2015. Collection method: clinical testing. Allele origin: germline.

Labcorp Genetics (formerly Invitae), Labcorp
Classification: Likely benign for Ehlers-Danlos syndrome, spondylodysplastic type, 3. Last evaluated: 2025-03-04. Review status: criteria provided, single submitter. Criteria: Invitae Variant Classification Sherloc (09022015). Collection method: clinical testing. Allele origin: germline.

GeneDx
Classification: Likely benign. Last evaluated: 2018-02-07. Review status: criteria provided, single submitter. Criteria: GeneDx Variant Classification (06012015). Collection method: clinical testing. Allele origin: germline. Affected: yes.
Comment: This variant is considered likely benign or benign based on one or more of the following criteria: it is a conservative change, it occurs at a poorly conserved position in the protein, it is predicted to be benign by multiple in silico algorithms, and/or has population frequency not consistent with disease.